The following is an entry in ClinVar:

ClinVar aggregate classification (germline): Uncertain significance (1 of 4 stars; one submission).

Conditions:
Tuberous sclerosis 1 (TSC1). Identifiers: Orphanet 805, MedGen C1854465, MONDO:0008612, OMIM 191100.

Submission:

Labcorp Genetics (formerly Invitae), Labcorp
Classification: Uncertain significance for Tuberous sclerosis 1. Last evaluated: 2019-07-23. Review status: criteria provided, single submitter. Criteria: Invitae Variant Classification Sherloc (09022015). Collection method: clinical testing. Allele origin: germline.
Comment: This sequence change falls in intron 10 of the TSC1 gene. It does not directly change the encoded amino acid sequence of the TSC1 protein. In summary, the available evidence is currently insufficient to determine the role of this variant in disease. Therefore, it has been classified as a Variant of Uncertain Significance. Algorithms developed to predict the effect of sequence changes on RNA splicing suggest that this variant may disrupt the consensus splice site, but this prediction has not been confirmed by published transcriptional studies. This variant has not been reported in the literature in individuals with TSC1-related conditions. This variant is not present in population databases (ExAC no frequency).

NM_000368.5(TSC1):c.1030-6T>A

Gene: TSC1 (TSC complex subunit 1; minus strand). Cytogenetic location: 9q34.13.
Variant type: single nucleotide variant.
Coding change: c.1030-6T>A on transcript NM_000368.5 (MANE Select); 6 bases into the intron before coding-DNA position 1030, T replaced by A.
Molecular consequence: intron variant.
Genome position (GRCh38, 1-based): chr9:132,911,119, A>T on the plus strand (T>A on the coding strand, the complement: TSC1 is on the minus strand). VCF-style: chr9-132911119-A-T. GRCh37 (hg19) VCF-style: chr9-135786506-A-T.
Other names: c.667-6T>A (NM_001362177.2); c.877-6T>A (NM_001162427.2); c.1030-6T>A (NM_001162426.2).
Identifiers: ClinVar variation 940872 (VCV000940872.9), dbSNP rs1418175406, ClinGen allele CA1139661293.
Genomic context (GRCh38, chr9:132,911,119, plus strand): 5'-GAGAAGTTGGAGGAGTGGTCATACCACAAACCATAGATGGGCTCCAAAGAGTAGCCTGGG[A>T]AGTTAATAAAGTACATCAGCAGTGGCAAAGGAATGCTAAGTCATCCACGAGGTTTATATC-3'